The following is an entry in ClinVar:

ClinVar aggregate classification (germline): Uncertain significance (1 of 4 stars; one submission).

Conditions:
Idiopathic generalized epilepsy. Also called: Generalised epilepsy; EIG. Identifiers: MedGen C0270850, MONDO:0005579, OMIM 600669.
Hyperaldosteronism, familial, type IV (HALD4). Also called: FH IV; ALDOSTERONISM, PRIMARY, AND HYPERTENSION. Identifiers: Orphanet 642671, MedGen C4310756, MONDO:0014875, OMIM 617027.

Allele frequency attached by ClinVar (database versions not stated): ExAC 0.00001; gnomAD 0.00001; gnomAD exomes 0.00001; TOPMed 0.00002.
gnomAD v4.1: 14 of 1,526,532 alleles (0.00092%); highest among the groups gnomAD compares: South Asian, 0.0013%; no homozygotes.

Submission:

Labcorp Genetics (formerly Invitae), Labcorp
Classification: Uncertain significance for Idiopathic generalized epilepsy; Hyperaldosteronism, familial, type IV. Last evaluated: 2024-05-20. Review status: criteria provided, single submitter. Criteria: Invitae Variant Classification Sherloc (09022015). Collection method: clinical testing. Allele origin: germline.
Comment: This sequence change replaces glutamine, which is neutral and polar, with arginine, which is basic and polar, at codon 2141 of the CACNA1H protein (p.Gln2141Arg). The frequency data for this variant in the population databases is considered unreliable, as metrics indicate poor data quality at this position in the gnomAD database. This variant has not been reported in the literature in individuals affected with CACNA1H-related conditions. ClinVar contains an entry for this variant (Variation ID: 1425117). Advanced modeling of protein sequence and biophysical properties (such as structural, functional, and spatial information, amino acid conservation, physicochemical variation, residue mobility, and thermodynamic stability) performed at Invitae indicates that this missense variant is not expected to disrupt CACNA1H protein function with a negative predictive value of 80%. In summary, the available evidence is currently insufficient to determine the role of this variant in disease. Therefore, it has been classified as a Variant of Uncertain Significance.

NM_021098.3(CACNA1H):c.6422A>G (p.Gln2141Arg)

Gene: CACNA1H (calcium voltage-gated channel subunit alpha1 H; plus strand). Cytogenetic location: 16p13.3.
Variant type: single nucleotide variant.
Coding change: c.6422A>G on transcript NM_021098.3 (MANE Select); coding-DNA position 6422, A replaced by G.
Protein change: p.Gln2141Arg; replaces glutamine 2141 with arginine.
Molecular consequence: missense variant.
Genome position (GRCh38, 1-based): chr16:1,220,354, A>G. VCF-style: chr16-1220354-A-G. GRCh37 (hg19) VCF-style: chr16-1270354-A-G.
Other names: c.6404A>G, p.Gln2135Arg (NM_001005407.2); short protein forms Q2141R, Q2135R.
Identifiers: ClinVar variation 1425117 (VCV001425117.8), dbSNP rs772532983, ClinGen allele CA7802356.